The following is an entry in ClinVar:

NM_005045.4(RELN):c.2303+1G>A

Gene: RELN (reelin; minus strand). Cytogenetic location: 7q22.1.
Variant type: single nucleotide variant.
Coding change: c.2303+1G>A on transcript NM_005045.4 (MANE Select); the canonical splice donor site of the intron after coding-DNA position 2303, G replaced by A.
Molecular consequence: splice donor variant.
Genome position (GRCh38, 1-based): chr7:103,636,234, C>T on the plus strand (G>A on the coding strand, the complement: RELN is on the minus strand). VCF-style: chr7-103636234-C-T. GRCh37 (hg19) VCF-style: chr7-103276681-C-T.
Other names: c.2303+1G>A (NM_173054.3).
Identifiers: ClinVar variation 1066513 (VCV001066513.8), dbSNP rs2117350995, ClinGen allele CA368761377.

ClinVar aggregate classification (germline): Likely pathogenic (1 of 4 stars; one submission).

Conditions:
Norman-Roberts syndrome (LIS2). Also called: Lissencephaly 2 (Norman-Roberts type). Identifiers: Orphanet 89844, MedGen C0796089, MONDO:0009760, OMIM 257320.
Familial temporal lobe epilepsy 7. Identifiers: Orphanet 101046, MedGen C4225327, MONDO:0014639, OMIM 616436.

Submission:

Labcorp Genetics (formerly Invitae), Labcorp
Classification: Likely pathogenic for Familial temporal lobe epilepsy 7; Norman-Roberts syndrome. Last evaluated: 2020-02-18. Review status: criteria provided, single submitter. Criteria: Invitae Variant Classification Sherloc (09022015). Collection method: clinical testing. Allele origin: germline.
Comment: In summary, the currently available evidence indicates that the variant is pathogenic, but additional data are needed to prove that conclusively. Therefore, this variant has been classified as Likely Pathogenic. This sequence change affects a donor splice site in intron 18 of the RELN gene. It is expected to disrupt RNA splicing and likely results in an absent or disrupted protein product. This variant is not present in population databases (ExAC no frequency). This variant has not been reported in the literature in individuals with RELN-related conditions. Algorithms developed to predict the effect of sequence changes on RNA splicing suggest that this variant may disrupt the consensus splice site, but this prediction has not been confirmed by published transcriptional studies. Donor and acceptor splice site variants typically lead to a loss of protein function (PMID: 16199547), and loss-of-function variants in RELN are known to be pathogenic (PMID: 10973257, 26046367, 28454995).

Literature cited by the submitters: PubMed 16199547; PubMed 10973257; PubMed 26046367; PubMed 28454995.